The following is an entry in ClinVar:

NM_178138.6(LHX3):c.607-13GCCCC[3]

Gene: LHX3 (LIM homeobox 3; minus strand). Cytogenetic location: 9q34.3.
Variant type: Microsatellite.
Coding change: c.607-13GCCCC[3] on transcript NM_178138.6 (MANE Select); three copies in a row of the 5-base unit GCCCC starting at c.607-13; the reference has two copies in a row; one copy, 5 bases duplicated.
Molecular consequence: intron variant.
Genome position (GRCh38, 1-based): chr9:136,198,824-136,198,828, GGGGC duplicated on the plus strand (GCCCC on the coding strand, the reverse complement: LHX3 is on the minus strand); duplicating any 5 consecutive bases within chr9:136,198,824-136,198,837 gives the same sequence; the position shown is the placement nearest the transcript's 3' end. VCF-style (leftmost placement, unchanged base first): chr9-136198823-G-GGGGGC. GRCh37 (hg19) VCF-style: chr9-139090669-G-GGGGGC.
Other names: c.622-13GCCCC[3] (NM_014564.5); c.574-13GCCCC[3] (NM_001363746.1); c.622-8_622-4dup5 (NM_014564.4).
Identifiers: ClinVar variation 1080267 (VCV001080267.10), dbSNP rs758264774, ClinGen allele CA5330422.

ClinVar aggregate classification (germline): Likely benign. Review status: criteria provided, multiple submitters, no conflicts (2 of 4 stars). 2 submissions from 2 submitters: Likely benign (2). Last evaluated 2025-07-17.

Conditions:
LHX3-related disorder. Also called: LHX3-related condition.

Submissions (2):

PreventionGenetics, part of Exact Sciences
Classification: Likely benign for LHX3-related condition. Last evaluated: 2025-07-17. Review status: criteria provided, single submitter. Criteria: ACMG Guidelines, 2015. Collection method: clinical testing. Allele origin: germline.
Comment: This variant is classified as likely benign based on ACMG/AMP sequence variant interpretation guidelines (Richards et al. 2015 PMID: 25741868, with internal and published modifications).

Labcorp Genetics (formerly Invitae), Labcorp
Classification: Likely benign. Last evaluated: 2024-01-18. Review status: criteria provided, single submitter. Criteria: Invitae Variant Classification Sherloc (09022015). Collection method: clinical testing. Allele origin: germline.